The following is an entry in ClinVar:

NM_001287491.2(TET3):c.1875A>T (p.Arg625=)

Gene: TET3 (tet methylcytosine dioxygenase 3; plus strand). Cytogenetic location: 2p13.1.
Variant type: single nucleotide variant.
Coding change: c.1875A>T on transcript NM_001287491.2 (MANE Select); coding-DNA position 1875, A replaced by T.
Protein change: p.Arg625=; no amino-acid change (arginine 625 retained).
Molecular consequence: synonymous variant.
Genome position (GRCh38, 1-based): chr2:74,047,792, A>T. VCF-style: chr2-74047792-A-T. GRCh37 (hg19) VCF-style: chr2-74274919-A-T.
Other names: c.1596A>T, p.Arg532= (NM_001366022.1).
Identifiers: ClinVar variation 4821590 (VCV004821590.4).

ClinVar aggregate classification (germline): Likely benign (1 of 4 stars; one submission).

gnomAD v4.1: 135 of 1,613,678 alleles (0.0084%); highest among the groups gnomAD compares: South Asian, 0.15%; 3 homozygotes.

Submission:

CeGaT Center for Human Genetics Tuebingen
Classification: Likely benign. Last evaluated: 2026-03-01. Review status: criteria provided, single submitter. Criteria: CeGaT Center For Human Genetics Tuebingen Variant Classification Criteria Version 2. Collection method: clinical testing. Allele origin: germline. Affected: yes. Observed: 1 variant allele.
Comment: TET3: BP4, BP7